The following is an entry in ClinVar:

NM_000135.4(FANCA):c.4350G>C (p.Gln1450His)

Genes: FANCA (FA complementation group A; minus strand), ZNF276 (zinc finger protein 276; plus strand). Cytogenetic location: 16q24.3.
Variant type: single nucleotide variant.
Coding change: c.4350G>C on transcript NM_000135.4 (MANE Select); coding-DNA position 4350, G replaced by C.
Protein change: p.Gln1450His; replaces glutamine 1450 with histidine.
Molecular consequence: missense variant. On other transcripts: 3 prime UTR variant (3), non-coding transcript variant (4).
Genome position (GRCh38, 1-based): chr16:89,738,619, C>G on the plus strand (G>C on the coding strand, the complement: FANCA is on the minus strand). VCF-style: chr16-89738619-C-G. GRCh37 (hg19) VCF-style: chr16-89805027-C-G.
Other names: c.*79G>C (NM_001286167.3); c.*373C>G (NM_001113525.2, NM_152287.4); short protein forms Q1450H.
Identifiers: ClinVar variation 4619302 (VCV004619302.1).

ClinVar aggregate classification (germline): Uncertain significance (1 of 4 stars; one submission).

Conditions:
Inborn genetic diseases. Identifiers: MedGen C0950123, MeSH D030342.

gnomAD v4.1: 2 of 1,613,622 alleles (0.00012%); highest among the groups gnomAD compares: South Asian, 0.0022%; no homozygotes.

Submission:

Ambry Genetics
Classification: Uncertain significance for Inborn genetic diseases. Last evaluated: 2025-12-06. Review status: criteria provided, single submitter. Criteria: Ambry Variant Classification Scheme 2023. Collection method: clinical testing. Allele origin: germline.
Comment: The p.Q1450H variant (also known as c.4350G>C), located in coding exon 43 of the FANCA gene, results from a G to C substitution at nucleotide position 4350. The glutamine at codon 1450 is replaced by histidine, an amino acid with highly similar properties. This amino acid position is conserved. In addition, this alteration is predicted to be tolerated by in silico analysis. Based on the available evidence, the clinical significance of this variant remains unclear.